The following is an entry in ClinVar:

NM_000138.5(FBN1):c.1391G>A (p.Arg464His)

Gene: FBN1 (fibrillin 1; minus strand). Cytogenetic location: 15q21.1.
Variant type: single nucleotide variant.
Coding change: c.1391G>A on transcript NM_000138.5 (MANE Select); coding-DNA position 1391, G replaced by A.
Protein change: p.Arg464His; replaces arginine 464 with histidine.
Molecular consequence: missense variant.
Genome position (GRCh38, 1-based): chr15:48,515,464, C>T on the plus strand (G>A on the coding strand, the complement: FBN1 is on the minus strand). VCF-style: chr15-48515464-C-T. GRCh37 (hg19) VCF-style: chr15-48807661-C-T.
Other names: short protein forms R464H.
Identifiers: ClinVar variation 928335 (VCV000928335.30), dbSNP rs1166727485, ClinGen allele CA392343823.
Genomic context (GRCh38, chr15:48,515,464, plus strand): 5'-AGGTCCAGCTGGAACCCTTTGTTGCACTCACACCGGTAACTCCCAGGAGTTGGAATGCAG[C>T]GTCCATTTTGACAGAGATAGCGGACCAACTGGCAGTAATCAGTAACGTTTACTGGCAGCA-3'
Protein context (NP_000129.3, residues 454-474): QLVRYLCQNG[Arg464His]CIPTPGSYRC

ClinVar aggregate classification (germline): Uncertain significance. Review status: criteria provided, multiple submitters, no conflicts (2 of 4 stars). 4 submissions from 4 submitters: Uncertain significance (3). 1 of the submissions does not count toward it. Last evaluated 2025-06-19.

Conditions:
Familial thoracic aortic aneurysm and aortic dissection (TAAD). Also called: Thoracic aortic aneurysms and dissections. Identifiers: Orphanet 91387, MedGen C4707243, MONDO:0019625.

Allele frequency attached by ClinVar (database versions not stated): gnomAD exomes 0.00001.
gnomAD v4.1: 13 of 1,614,056 alleles (0.00081%); highest among the groups gnomAD compares: South Asian, 0.0055%; no homozygotes.

Submissions (4):

Color Diagnostics, LLC DBA Color Health
Classification: Uncertain significance for Familial thoracic aortic aneurysm and aortic dissection. Last evaluated: 2025-06-19. Review status: criteria provided, single submitter. Criteria: ACMG Guidelines, 2015. Collection method: clinical testing. Allele origin: germline.
Comment: This missense variant replaces arginine with histidine at codon 464 of the FBN1 protein. Computational prediction suggests that this variant may not impact protein structure and function. To our knowledge, functional studies have not been reported for this variant. This variant has not been reported in individuals affected with FBN1-related disorders in the literature. This variant has been identified in 2/251264 chromosomes in the general population by the Genome Aggregation Database (gnomAD). The available evidence is insufficient to determine the role of this variant in disease conclusively. Therefore, this variant is classified as a Variant of Uncertain Significance.

Clinical Genetics Laboratory, Skane University Hospital Lund
Classification: Uncertain significance. Last evaluated: 2023-07-10. Review status: criteria provided, single submitter. Criteria: ACMG Guidelines, 2015. Collection method: clinical testing. Allele origin: germline. Affected: yes.

CeGaT Center for Human Genetics Tuebingen
Classification: Uncertain significance. Last evaluated: 2023-03-01. Review status: criteria provided, single submitter. Criteria: CeGaT Center For Human Genetics Tuebingen Variant Classification Criteria Version 2. Collection method: clinical testing. Allele origin: germline. Affected: yes. Observed: 1 variant allele.
Comment: FBN1: PP2

Department of Pathology and Laboratory Medicine, Sinai Health System
Classification: Uncertain significance. Review status: no assertion criteria provided. Collection method: clinical testing. Allele origin: unknown. Affected: yes. Study: The Canadian Open Genetics Repository (COGR). Not counted in ClinVar's aggregate classification.
Comment: The FBN1 p.(Arg464His) variant was not identified in the literature nor was it identified in ClinVar, Cosmic or LOVD 3.0. The variant was identified in dbSNP (ID: rs1166727485) and was found in control databases in 2 of 251264 chromosomes at a frequency of 0.000008 (Genome Aggregation Database Feb 27, 2017). The variant was observed in the following population: South Asian in 2 of 30614 chromosomes (freq: 0.000065), while the variant was not observed in the African, Latino, Ashkenazi Jewish, East Asian, European (Finnish), European (non-Finnish) and Other populations. The variant occurs outside of the splicing consensus sequence and in silico or computational prediction software programs (SpliceSiteFinder, MaxEntScan, NNSPLICE, GeneSplicer) do not predict a difference in splicing. The p.(Arg464His) residue is not conserved in mammals and four out of five computational analyses (PolyPhen-2, SIFT, AlignGVGD, BLOSUM) do not suggest a high likelihood of impact to the protein; however, this information is not predictive enough to rule out pathogenicity. In summary, based on the above information the clinical significance of this variant cannot be determined with certainty at this time. This variant is classified as a variant of uncertain significance.